The following is an entry in ClinVar:

NM_000093.5(COL5A1):c.4598dup (p.Gly1534fs)

Genes: COL5A1 (collagen type V alpha 1 chain; plus strand), LOC101448202 (uncharacterized LOC101448202; minus strand). Cytogenetic location: 9q34.3.
Variant type: Duplication.
Coding change: c.4598dup on transcript NM_000093.5 (MANE Select); coding-DNA position 4598, one base duplicated (C; older notation c.4598dupC).
Protein change: p.Gly1534fs; shifts the reading frame from glycine 1534.
Molecular consequence: frameshift variant.
Genome position (GRCh38, 1-based): chr9:134,822,140, C duplicated; the last of 5 consecutive C bases (chr9:134,822,136-134,822,140); duplicating any one gives the same sequence. VCF-style (leftmost placement, unchanged base first): chr9-134822135-G-GC. GRCh37 (hg19) VCF-style: chr9-137713981-G-GC.
Other names: c.4598dup, p.Gly1534fs (NM_001278074.1); short protein forms G1534fs.
Identifiers: ClinVar variation 2105728 (VCV002105728.4), dbSNP rs2490865523, ClinGen allele CA2580080019.

ClinVar aggregate classification (germline): Pathogenic (1 of 4 stars; one submission).

Conditions:
Ehlers-Danlos syndrome, classic type, 1 (EDSCL1). Also called: EHLERS-DANLOS SYNDROME, GRAVIS TYPE; EHLERS-DANLOS SYNDROME, SEVERE CLASSIC TYPE; Ehlers-Danlos syndrome, type 1; EDS I; Ehlers-Danlos Syndrome, Classic Type, COL5A1-Related. Identifiers: MedGen C0268335, MONDO:0019567, OMIM 130000.

Submission:

Labcorp Genetics (formerly Invitae), Labcorp
Classification: Pathogenic for Ehlers-Danlos syndrome, classic type, 1. Last evaluated: 2023-06-04. Review status: criteria provided, single submitter. Criteria: Invitae Variant Classification Sherloc (09022015). Collection method: clinical testing. Allele origin: germline.
Comment: This variant is not present in population databases (gnomAD no frequency). This sequence change creates a premature translational stop signal (p.Gly1534Trpfs*12) in the COL5A1 gene. It is expected to result in an absent or disrupted protein product. Loss-of-function variants in COL5A1 are known to be pathogenic (PMID: 23587214). This variant has not been reported in the literature in individuals affected with COL5A1-related conditions. ClinVar contains an entry for this variant (Variation ID: 2105728). For these reasons, this variant has been classified as Pathogenic.

Literature cited by the submitters: PubMed 23587214.